The following is an entry in ClinVar:

ClinVar aggregate classification (germline): Uncertain significance (1 of 4 stars; one submission).

Submission:

GeneDx
Classification: Uncertain significance. Last evaluated: 2021-06-17. Review status: criteria provided, single submitter. Criteria: GeneDx Variant Classification Process June 2021. Collection method: clinical testing. Allele origin: germline. Affected: yes.
Comment: Has not been previously published as pathogenic or benign to our knowledge; Not observed at significant frequency in large population cohorts (Lek et al., 2016); In silico analysis supports that this missense variant has a deleterious effect on protein structure/function; Although located in a calcium-binding EGF-like domain of the FBN2 gene, it does not affect a cysteine residue within this domain; cysteine substitutions in the calcium-binding EGF-like domains represent the majority of pathogenic missense changes associated with FBN2-related disorders (Frederic et al., 2009).; This variant is associated with the following publications: (PMID: 27535533)

NM_001999.4(FBN2):c.6623G>C (p.Gly2208Ala)

Gene: FBN2 (fibrillin 2; minus strand). Cytogenetic location: 5q23.3.
Variant type: single nucleotide variant.
Coding change: c.6623G>C on transcript NM_001999.4 (MANE Select); coding-DNA position 6623, G replaced by C.
Protein change: p.Gly2208Ala; replaces glycine 2208 with alanine.
Molecular consequence: missense variant.
Genome position (GRCh38, 1-based): chr5:128,289,141, C>G on the plus strand (G>C on the coding strand, the complement: FBN2 is on the minus strand). VCF-style: chr5-128289141-C-G. GRCh37 (hg19) VCF-style: chr5-127624833-C-G.
Other names: short protein forms G2208A.
Identifiers: ClinVar variation 1328758 (VCV001328758.2), dbSNP rs200489152, ClinGen allele CA360760841.